The following is an entry in ClinVar:

ClinVar aggregate classification (germline): Uncertain significance (1 of 4 stars; one submission).

Conditions:
Fanconi anemia (FA). Also called: Fanconi's anemia. Identifiers: Orphanet 84, MedGen C0015625, MeSH D005199, MONDO:0019391.

Submission:

Labcorp Genetics (formerly Invitae), Labcorp
Classification: Uncertain significance for Fanconi anemia. Last evaluated: 2026-01-17. Review status: criteria provided, single submitter. Criteria: Invitae Variant Classification Sherloc (09022015). Collection method: clinical testing. Allele origin: germline.
Comment: This sequence change replaces isoleucine, which is neutral and non-polar, with valine, which is neutral and non-polar, at codon 1200 of the FANCD2 protein (p.Ile1200Val). This variant is not present in population databases (gnomAD no frequency). This variant has not been reported in the literature in individuals affected with FANCD2-related conditions. Invitae Evidence Modeling of protein sequence and biophysical properties (such as structural, functional, and spatial information, amino acid conservation, physicochemical variation, residue mobility, and thermodynamic stability) indicates that this missense variant is not expected to disrupt FANCD2 protein function with a negative predictive value of 80%. In summary, the available evidence is currently insufficient to determine the role of this variant in disease. Therefore, it has been classified as a Variant of Uncertain Significance.

NM_001018115.3(FANCD2):c.3598A>G (p.Ile1200Val)

Genes: FANCD2 (FA complementation group D2; plus strand), FANCD2OS (FANCD2 opposite strand; minus strand). Cytogenetic location: 3p25.3.
Variant type: single nucleotide variant.
Coding change: c.3598A>G on transcript NM_001018115.3 (MANE Select); coding-DNA position 3598, A replaced by G.
Protein change: p.Ile1200Val; replaces isoleucine 1200 with valine.
Molecular consequence: missense variant. On other transcripts: intron variant (1).
Genome position (GRCh38, 1-based): chr3:10,088,865, A>G. VCF-style: chr3-10088865-A-G. GRCh37 (hg19) VCF-style: chr3-10130549-A-G.
Other names: c.3598A>G, p.Ile1200Val (NM_001319984.2, NM_001374254.1, NM_033084.6); c.3487A>G, p.Ile1163Val (NM_001374253.1); c.*44-7334T>C (NM_173472.2); short protein forms I1163V, I1200V.
Identifiers: ClinVar variation 4721470 (VCV004721470.1).